The following is an entry in ClinVar:

NM_006268.5(DPF2):c.465+5A>G

Gene: DPF2 (double PHD fingers 2; plus strand). Cytogenetic location: 11q13.1.
Variant type: single nucleotide variant.
Coding change: c.465+5A>G on transcript NM_006268.5 (MANE Select); 5 bases into the intron after coding-DNA position 465, A replaced by G.
Molecular consequence: intron variant.
Genome position (GRCh38, 1-based): chr11:65,341,567, A>G. VCF-style: chr11-65341567-A-G. GRCh37 (hg19) VCF-style: chr11-65109038-A-G.
Other names: c.465+5A>G (NM_001330308.2, NM_001330308.1).
Identifiers: ClinVar variation 1593777 (VCV001593777.35), dbSNP rs202235809, ClinGen allele CA6095272.

ClinVar aggregate classification (germline): Likely benign. Review status: criteria provided, multiple submitters, no conflicts (2 of 4 stars). 5 submissions from 5 submitters: Likely benign (4). 1 of the submissions does not count toward it. Last evaluated 2025-12-16.

Conditions:
DPF2-related disorder. Also called: DPF2-related condition.

Allele frequency attached by ClinVar (database versions not stated): 1000 Genomes Project 30x 0.00016; 1000 Genomes Project 0.00020; TOPMed 0.00037; ExAC 0.00038; gnomAD exomes 0.00039 and 0.00061; gnomAD 0.00052 and 0.00053; ESP Exome Variant Server 0.00054.
gnomAD v4.1: 967 of 1,614,116 alleles (0.06%); highest among the groups gnomAD compares: Non-Finnish European, 0.073%; no homozygotes.

Submissions (5):

Labcorp Genetics (formerly Invitae), Labcorp
Classification: Likely benign. Last evaluated: 2025-12-16. Review status: criteria provided, single submitter. Criteria: Invitae Variant Classification Sherloc (09022015). Collection method: clinical testing. Allele origin: germline.

Blueprint Genetics
Classification: Likely benign. Last evaluated: 2024-11-14. Review status: criteria provided, single submitter. Criteria: ACMG Guidelines, 2015. Collection method: clinical testing. Allele origin: germline.

CeGaT Center for Human Genetics Tuebingen
Classification: Likely benign. Last evaluated: 2023-02-01. Review status: criteria provided, single submitter. Criteria: CeGaT Center For Human Genetics Tuebingen Variant Classification Criteria Version 2. Collection method: clinical testing. Allele origin: germline. Affected: yes. Observed: 1 variant allele.
Comment: DPF2: BP4

Breakthrough Genomics
Classification: Likely benign. Review status: criteria provided, single submitter. Criteria: ACMG Guidelines, 2015. Collection method: not provided. Allele origin: germline. Inheritance: Autosomal dominant inheritance. Affected: yes.

PreventionGenetics, part of Exact Sciences
Classification: Likely benign for DPF2-related condition. Last evaluated: 2022-07-06. Review status: no assertion criteria provided. Collection method: clinical testing. Allele origin: germline. Not counted in ClinVar's aggregate classification.
Comment: This variant is classified as likely benign based on ACMG/AMP sequence variant interpretation guidelines (Richards et al. 2015 PMID: 25741868, with internal and published modifications).